The following is an entry in ClinVar:

NM_144997.7(FLCN):c.1360T>G (p.Cys454Gly)

Gene: FLCN (folliculin; minus strand). Cytogenetic location: 17p11.2.
Variant type: single nucleotide variant.
Coding change: c.1360T>G on transcript NM_144997.7 (MANE Select); coding-DNA position 1360, T replaced by G.
Protein change: p.Cys454Gly; replaces cysteine 454 with glycine.
Molecular consequence: missense variant.
Genome position (GRCh38, 1-based): chr17:17,215,257, A>C on the plus strand (T>G on the coding strand, the complement: FLCN is on the minus strand). VCF-style: chr17-17215257-A-C. GRCh37 (hg19) VCF-style: chr17-17118571-A-C.
Other names: c.1414T>G, p.Cys472Gly (NM_001353229.2); c.1360T>G, p.Cys454Gly (NM_001353230.2, NM_001353231.2); short protein forms C454G, C472G.
Identifiers: ClinVar variation 849310 (VCV000849310.9), dbSNP rs767762804, ClinGen allele CA398531354.

ClinVar aggregate classification (germline): Uncertain significance. Review status: criteria provided, multiple submitters, no conflicts (2 of 4 stars). 3 submissions from 3 submitters: Uncertain significance (3). Last evaluated 2024-05-02.

Conditions:
Birt-Hogg-Dube syndrome 1 (BHD1). Also called: FIBROFOLLICULOMAS WITH TRICHODISCOMAS AND ACROCHORDONS. Identifiers: Orphanet 122, MedGen CN375946, MONDO:0800445, OMIM 135150.
Birt-Hogg-Dube syndrome. Also called: Birt Hogg Dubé syndrome. Identifiers: Orphanet 122, MedGen C0346010, MONDO:0800444.
Hereditary cancer-predisposing syndrome. Also called: Neoplastic Syndromes, Hereditary; Hereditary Cancer Syndrome; Hereditary neoplastic syndrome; Tumor predisposition. Identifiers: Orphanet 140162, MedGen C0027672, MeSH D009386, MONDO:0015356.

gnomAD v4.1: 1 of 1,613,898 alleles (0.000062%); highest among the groups gnomAD compares: Non-Finnish European, 0.000085%; no homozygotes.

Submissions (3):

Labcorp Genetics (formerly Invitae), Labcorp
Classification: Uncertain significance for Birt-Hogg-Dube syndrome. Last evaluated: 2024-05-02. Review status: criteria provided, single submitter. Criteria: Invitae Variant Classification Sherloc (09022015). Collection method: clinical testing. Allele origin: germline.
Comment: This sequence change replaces cysteine, which is neutral and slightly polar, with glycine, which is neutral and non-polar, at codon 454 of the FLCN protein (p.Cys454Gly). This variant is not present in population databases (gnomAD no frequency). This variant has not been reported in the literature in individuals affected with FLCN-related conditions. ClinVar contains an entry for this variant (Variation ID: 849310). Advanced modeling of protein sequence and biophysical properties (such as structural, functional, and spatial information, amino acid conservation, physicochemical variation, residue mobility, and thermodynamic stability) performed at Invitae indicates that this missense variant is not expected to disrupt FLCN protein function with a negative predictive value of 80%. RNA analysis performed to evaluate the impact of this missense change on mRNA splicing indicates it does not significantly alter splicing (Invitae). In summary, the available evidence is currently insufficient to determine the role of this variant in disease. Therefore, it has been classified as a Variant of Uncertain Significance.

Baylor Genetics
Classification: Uncertain significance for Birt-Hogg-Dube syndrome 1. Last evaluated: 2024-02-23. Review status: criteria provided, single submitter. Criteria: ACMG Guidelines, 2015. Collection method: clinical testing. Allele origin: unknown.

Ambry Genetics
Classification: Uncertain significance for Hereditary cancer-predisposing syndrome. Last evaluated: 2022-08-31. Review status: criteria provided, single submitter. Criteria: Ambry Variant Classification Scheme 2023. Collection method: clinical testing. Allele origin: germline.
Comment: The p.C454G variant (also known as c.1360T>G), located in coding exon 9 of the FLCN gene, results from a T to G substitution at nucleotide position 1360. The cysteine at codon 454 is replaced by glycine, an amino acid with highly dissimilar properties. This alteration was identified in an individual with unselected colorectal cancer (DeRycke MS et al. Mol Genet Genomic Med, 2017 Sep;5:553-569). This amino acid position is not well conserved in available vertebrate species. In addition, this alteration is predicted to be tolerated by in silico analysis. Since supporting evidence is limited at this time, the clinical significance of this alteration remains unclear.

Literature cited by the submitters: PubMed 28944238 (cited by Ambry Genetics).